The following is an entry in ClinVar:

ClinVar aggregate classification (germline): Uncertain significance. Review status: criteria provided, single submitter (1 of 4 stars). 2 submissions from 2 submitters: Uncertain significance (1). 1 of the submissions does not count toward it. Last evaluated 2022-06-13.

Conditions:
Epidermolysis bullosa dystrophica. Also called: Dystrophic epidermolysis bullosa, Hallopeau-Siemens type (formerly); Dystrophic epidermolysis bullosa. Identifiers: Orphanet 303, MedGen C0079294, MONDO:0006543.

Allele frequency attached by ClinVar (database versions not stated): gnomAD exomes below 0.00001 and 0.00001; TOPMed 0.00002.
gnomAD v4.1: 8 of 1,613,922 alleles (0.0005%); highest among the groups gnomAD compares: African/African-American, 0.0013%; no homozygotes.

Submissions (2):

Labcorp Genetics (formerly Invitae), Labcorp
Classification: Uncertain significance. Last evaluated: 2022-06-13. Review status: criteria provided, single submitter. Criteria: Invitae Variant Classification Sherloc (09022015). Collection method: clinical testing. Allele origin: germline.
Comment: This sequence change replaces aspartic acid, which is acidic and polar, with asparagine, which is neutral and polar, at codon 561 of the COL7A1 protein (p.Asp561Asn). This variant is present in population databases (no rsID available, gnomAD 0.0009%). This variant has not been reported in the literature in individuals affected with COL7A1-related conditions. ClinVar contains an entry for this variant (Variation ID: 1014879). Advanced modeling of protein sequence and biophysical properties (such as structural, functional, and spatial information, amino acid conservation, physicochemical variation, residue mobility, and thermodynamic stability) performed at Invitae indicates that this missense variant is not expected to disrupt COL7A1 protein function. In summary, the available evidence is currently insufficient to determine the role of this variant in disease. Therefore, it has been classified as a Variant of Uncertain Significance.

Natera, Inc.
Classification: Uncertain significance for Dystrophic epidermolysis bullosa. Last evaluated: 2020-04-21. Review status: no assertion criteria provided. Collection method: clinical testing. Allele origin: germline. Not counted in ClinVar's aggregate classification.

NM_000094.4(COL7A1):c.1681G>A (p.Asp561Asn)

Gene: COL7A1 (collagen type VII alpha 1 chain; minus strand). Cytogenetic location: 3p21.31.
Variant type: single nucleotide variant.
Coding change: c.1681G>A on transcript NM_000094.4 (MANE Select); coding-DNA position 1681, G replaced by A.
Protein change: p.Asp561Asn; replaces aspartic acid 561 with asparagine.
Molecular consequence: missense variant.
Genome position (GRCh38, 1-based): chr3:48,590,772, C>T on the plus strand (G>A on the coding strand, the complement: COL7A1 is on the minus strand). VCF-style: chr3-48590772-C-T. GRCh37 (hg19) VCF-style: chr3-48628205-C-T.
Other names: short protein forms D561N.
Identifiers: ClinVar variation 1014879 (VCV001014879.3), dbSNP rs1320589494, ClinGen allele CA352729866.
Genomic context (GRCh38, chr3:48,590,772, plus strand): 5'-GACCCACTCGAGCAGACACCCGCACAGTGTAGCTAAGCCCAGCCTGAACGTCATCCAAGT[C>T]GAATGCTGTCTGACTCCCAGGAAGCACCAGGGTCCGCTCAACCCCTAAGAGAGAAGTCAG-3'
Protein context (NP_000085.1, residues 551-571): LVLPGSQTAF[Asp561Asn]LDDVQAGLSY